The following is an entry in ClinVar:

ClinVar aggregate classification (germline): Uncertain significance (1 of 4 stars; one submission).

Conditions:
Cardiovascular phenotype. Identifiers: MedGen CN230736.

gnomAD v4.1: 1 of 1,614,230 alleles (0.000062%); highest among the groups gnomAD compares: Middle Eastern, 0.016%; no homozygotes.

Submission:

Ambry Genetics
Classification: Uncertain significance for Cardiovascular phenotype. Last evaluated: 2026-06-09. Review status: criteria provided, single submitter. Criteria: Ambry Variant Classification Scheme 2023. Collection method: clinical testing. Allele origin: germline.
Comment: The p.L1308F variant (also known as c.3922C>T), located in coding exon 27 of the ABCA1 gene, results from a C to T substitution at nucleotide position 3922. The leucine at codon 1308 is replaced by phenylalanine, an amino acid with highly similar properties. This amino acid position is conserved. In addition, the in silico prediction for this alteration is inconclusive. Based on the available evidence, the clinical significance of this variant remains unclear.

NM_005502.4(ABCA1):c.3922C>T (p.Leu1308Phe)

Gene: ABCA1 (ATP binding cassette subfamily A member 1; minus strand). Cytogenetic location: 9q31.1.
Variant type: single nucleotide variant.
Coding change: c.3922C>T on transcript NM_005502.4 (MANE Select); coding-DNA position 3922, C replaced by T.
Protein change: p.Leu1308Phe; replaces leucine 1308 with phenylalanine.
Molecular consequence: missense variant.
Genome position (GRCh38, 1-based): chr9:104,812,702, G>A on the plus strand (C>T on the coding strand, the complement: ABCA1 is on the minus strand). VCF-style: chr9-104812702-G-A. GRCh37 (hg19) VCF-style: chr9-107574983-G-A.
Other names: short protein forms L1308F.
Identifiers: ClinVar variation 4869464 (VCV004869464.1).
Genomic context (GRCh38, chr9:104,812,702, plus strand): 5'-GTTGCTGTGTAAGTTTCCAGCCTTTCACCTGGTAGGACCCTTTGCCATCCATCCCACTGA[G>A]CAAGTCTGTCTCTCTGGATTCTGCAAGAAGCCAACACTGAAGGTCACCTATTATCTTAGG-3'
Protein context (NP_005493.2, residues 1298-1318): IDPESRETDL[Leu1308Phe]SGMDGKGSYQ